The following is an entry in ClinVar:

ClinVar aggregate classification (germline): Uncertain significance (1 of 4 stars; one submission).

Conditions:
Perlman syndrome (PRLMNS). Identifiers: Orphanet 2849, MedGen C0796113, MONDO:0009965, OMIM 267000.

gnomAD v4.1: 2 of 1,610,854 alleles (0.00012%); highest among the groups gnomAD compares: Non-Finnish European, 0.00017%; no homozygotes.

Submission:

Labcorp Genetics (formerly Invitae), Labcorp
Classification: Uncertain significance for Perlman syndrome. Last evaluated: 2024-03-20. Review status: criteria provided, single submitter. Criteria: Invitae Variant Classification Sherloc (09022015). Collection method: clinical testing. Allele origin: germline.
Comment: This sequence change replaces aspartic acid, which is acidic and polar, with histidine, which is basic and polar, at codon 783 of the DIS3L2 protein (p.Asp783His). This variant is not present in population databases (gnomAD no frequency). This variant has not been reported in the literature in individuals affected with DIS3L2-related conditions. Advanced modeling of protein sequence and biophysical properties (such as structural, functional, and spatial information, amino acid conservation, physicochemical variation, residue mobility, and thermodynamic stability) performed at Invitae indicates that this missense variant is expected to disrupt DIS3L2 protein function with a positive predictive value of 80%. In summary, the available evidence is currently insufficient to determine the role of this variant in disease. Therefore, it has been classified as a Variant of Uncertain Significance.

NM_152383.5(DIS3L2):c.2347G>C (p.Asp783His)

Gene: DIS3L2 (DIS3 like 3'-5' exoribonuclease 2; plus strand). Cytogenetic location: 2q37.1.
Variant type: single nucleotide variant.
Coding change: c.2347G>C on transcript NM_152383.5 (MANE Select); coding-DNA position 2347, G replaced by C.
Protein change: p.Asp783His; replaces aspartic acid 783 with histidine.
Molecular consequence: missense variant. On other transcripts: non-coding transcript variant (2), intron variant (1).
Genome position (GRCh38, 1-based): chr2:232,334,688, G>C. VCF-style: chr2-232334688-G-C. GRCh37 (hg19) VCF-style: chr2-233199398-G-C.
Other names: c.1582-8657G>C (NM_001257281.2); short protein forms D783H.
Identifiers: ClinVar variation 3646904 (VCV003646904.2).